The following is an entry in ClinVar:

NM_004360.5(CDH1):c.221G>C (p.Arg74Pro)

Gene: CDH1 (cadherin 1; plus strand). Cytogenetic location: 16q22.1.
Variant type: single nucleotide variant.
Coding change: c.221G>C on transcript NM_004360.5 (MANE Select); coding-DNA position 221, G replaced by C.
Protein change: p.Arg74Pro; replaces arginine 74 with proline.
Molecular consequence: missense variant. On other transcripts: 5 prime UTR variant (2).
Genome position (GRCh38, 1-based): chr16:68,801,727, G>C. VCF-style: chr16-68801727-G-C. GRCh37 (hg19) VCF-style: chr16-68835630-G-C.
Other names: c.221G>C (LRG_301t1); c.221G>C, p.Arg74Pro (NM_001317184.2); c.-1395G>C (NM_001317185.2); c.-1599G>C (NM_001317186.2); short protein forms R74P.
Identifiers: ClinVar variation 463750 (VCV000463750.10), dbSNP rs761562625, ClinGen allele CA8129812.
Genomic context (GRCh38, chr16:68,801,727, plus strand): 5'-CAGTGAATTTTGAAGATTGCACCGGTCGACAAAGGACAGCCTATTTTTCCCTCGACACCC[G>C]ATTCAAAGTGGGCACAGATGGTGTGATTACAGTCAAAAGGCCTCTACGGTTTCATAACCC-3'
Protein context (NP_004351.1, residues 64-84): QRTAYFSLDT[Arg74Pro]FKVGTDGVIT

ClinVar aggregate classification (germline): Uncertain significance. Review status: criteria provided, multiple submitters, no conflicts (2 of 4 stars). 2 submissions from 2 submitters: Uncertain significance (2). Last evaluated 2025-11-25.

Conditions:
Hereditary cancer-predisposing syndrome. Also called: Hereditary neoplastic syndrome; Neoplastic Syndromes, Hereditary; Tumor predisposition; Hereditary Cancer Syndrome. Identifiers: Orphanet 140162, MedGen C0027672, MeSH D009386, MONDO:0015356.
Hereditary diffuse gastric adenocarcinoma (HDGC). Also called: DIFFUSE GASTRIC AND LOBULAR BREAST CANCER SYNDROME. Identifiers: Orphanet 26106, MedGen C1708349, MONDO:0007648, OMIM 137215.

Allele frequency attached by ClinVar (database versions not stated): gnomAD exomes below 0.00001; ExAC 0.00001.
gnomAD v4.1: 8 of 1,614,128 alleles (0.0005%); highest among the groups gnomAD compares: Non-Finnish European, 0.00059%; no homozygotes.

Submissions (2):

Ambry Genetics
Classification: Uncertain significance for Hereditary cancer-predisposing syndrome. Last evaluated: 2025-11-25. Review status: criteria provided, single submitter. Criteria: Ambry Variant Classification Scheme 2023. Collection method: clinical testing. Allele origin: germline.
Comment: The p.R74P variant (also known as c.221G>C), located in coding exon 3 of the CDH1 gene, results from a G to C substitution at nucleotide position 221. The arginine at codon 74 is replaced by proline, an amino acid with dissimilar properties. This amino acid position is conserved. In addition, the in silico prediction for this alteration is inconclusive. Based on the available evidence, the clinical significance of this variant remains unclear.

Labcorp Genetics (formerly Invitae), Labcorp
Classification: Uncertain significance for Hereditary diffuse gastric adenocarcinoma. Last evaluated: 2022-02-11. Review status: criteria provided, single submitter. Criteria: Invitae Variant Classification Sherloc (09022015). Collection method: clinical testing. Allele origin: germline.
Comment: This sequence change replaces arginine, which is basic and polar, with proline, which is neutral and non-polar, at codon 74 of the CDH1 protein (p.Arg74Pro). In summary, the available evidence is currently insufficient to determine the role of this variant in disease. Therefore, it has been classified as a Variant of Uncertain Significance. Algorithms developed to predict the effect of missense changes on protein structure and function are either unavailable or do not agree on the potential impact of this missense change (SIFT: "Deleterious"; PolyPhen-2: "Possibly Damaging"; Align-GVGD: "Class C0"). ClinVar contains an entry for this variant (Variation ID: 463750). This variant has not been reported in the literature in individuals affected with CDH1-related conditions. This variant is present in population databases (rs761562625, gnomAD 0.0009%).